The following is an entry in ClinVar:

NM_000395.3(CSF2RB):c.1979del (p.Gln660fs)

Gene: CSF2RB (colony stimulating factor 2 receptor subunit beta; plus strand). Cytogenetic location: 22q12.3.
Variant type: Deletion.
Coding change: c.1979del on transcript NM_000395.3 (MANE Select); coding-DNA position 1979, one base deleted (A; older notation c.1979delA).
Protein change: p.Gln660fs; shifts the reading frame from glutamine 660.
Molecular consequence: frameshift variant.
Genome position (GRCh38, 1-based): chr22:36,937,787, A deleted. VCF-style (leftmost placement, unchanged base first): chr22-36937786-CA-C. GRCh37 (hg19) VCF-style: chr22-37333828-CA-C.
Other names: c.1997del, p.Gln666fs (NM_001410827.1); short protein forms Q660fs, Q666fs.
Identifiers: ClinVar variation 2884750 (VCV002884750.3), dbSNP rs570696362, ClinGen allele CA10214019.

ClinVar aggregate classification (germline): Uncertain significance (1 of 4 stars; one submission).

Allele frequency attached by ClinVar (database versions not stated): ExAC 0.00018; TOPMed 0.00002; gnomAD 0.00007; 1000 Genomes Project 0.00060; gnomAD exomes 0.00014.

Submission:

Labcorp Genetics (formerly Invitae), Labcorp
Classification: Uncertain significance. Last evaluated: 2025-09-09. Review status: criteria provided, single submitter. Criteria: Invitae Variant Classification Sherloc (09022015). Collection method: clinical testing. Allele origin: germline.
Comment: This sequence change creates a premature translational stop signal (p.Gln660Argfs*38) in the CSF2RB gene. While this is not anticipated to result in nonsense mediated decay, it is expected to disrupt the last 238 amino acid(s) of the CSF2RB protein. This variant is present in population databases (rs570696362, gnomAD 0.09%), and has an allele count higher than expected for a pathogenic variant. This variant has not been reported in the literature in individuals affected with CSF2RB-related conditions. ClinVar contains an entry for this variant (Variation ID: 2884750). In summary, the available evidence is currently insufficient to determine the role of this variant in disease. Therefore, it has been classified as a Variant of Uncertain Significance.